The following is an entry in ClinVar:

NM_024422.6(DSC2):c.1399G>A (p.Glu467Lys)

Gene: DSC2 (desmocollin 2; minus strand). Cytogenetic location: 18q12.1.
Variant type: single nucleotide variant.
Coding change: c.1399G>A on transcript NM_024422.6 (MANE Select); coding-DNA position 1399, G replaced by A.
Protein change: p.Glu467Lys; replaces glutamic acid 467 with lysine.
Molecular consequence: missense variant.
Genome position (GRCh38, 1-based): chr18:31,080,217, C>T on the plus strand (G>A on the coding strand, the complement: DSC2 is on the minus strand). VCF-style: chr18-31080217-C-T. GRCh37 (hg19) VCF-style: chr18-28660183-C-T.
Other names: c.970G>A, p.Glu324Lys (NM_001406506.1, NM_001406507.1); c.1399G>A, p.Glu467Lys (NM_004949.5); short protein forms E324K, E467K.
Identifiers: ClinVar variation 3073754 (VCV003073754.1), dbSNP rs1208470556, ClinGen allele CA402108585.

ClinVar aggregate classification (germline): Uncertain significance (1 of 4 stars; one submission).

Conditions:
Familial isolated arrhythmogenic right ventricular dysplasia. Identifiers: Orphanet 217656, MedGen C4274968, MONDO:0016342.

Submission:

All of Us Research Program, National Institutes of Health
Classification: Uncertain significance for Familial isolated arrhythmogenic right ventricular dysplasia. Last evaluated: 2023-10-06. Review status: criteria provided, single submitter. Criteria: ACMG Guidelines, 2015. Collection method: clinical testing. Allele origin: germline. Inheritance: Autosomal dominant inheritance. Observed: 1 variant allele, 1 heterozygote.
Comment: This missense variant replaces glutamic acid with lysine at codon 467 of the DSC2 protein. Computational prediction is inconclusive regarding the impact of this variant on protein structure and function (internally defined REVEL score threshold 0.5 < inconclusive < 0.7, PMID: 27666373). To our knowledge, functional studies have not been reported for this variant. This variant has not been reported in individuals affected with DSC2-related disorders in the literature. This variant has not been identified in the general population by the Genome Aggregation Database (gnomAD). The available evidence is insufficient to determine the role of this variant in disease conclusively. Therefore, this variant is classified as a Variant of Uncertain Significance.

This study involves interpretation of variants in research participants for the purpose of population health screening. Participant phenotype was not available at the time of variant classification. Additional details can be found in publication PMID: 35346344, PMCID: PMC8962531